The following is an entry in ClinVar:

ClinVar aggregate classification (germline): Uncertain significance (1 of 4 stars; one submission).

Conditions:
Brachyolmia-amelogenesis imperfecta syndrome. Also called: PLATYSPONDYLY WITH AMELOGENESIS IMPERFECTA; Tooth agenesis, selective, 6; Dental anomalies and short stature. Identifiers: Orphanet 2899, MedGen C1832594, MONDO:0011018, OMIM 601216. Disease mechanism: loss of function.

Allele frequency attached by ClinVar (database versions not stated): TOPMed 0.00001; gnomAD 0.00002.

Submission:

Labcorp Genetics (formerly Invitae), Labcorp
Classification: Uncertain significance for Brachyolmia-amelogenesis imperfecta syndrome. Last evaluated: 2023-12-26. Review status: criteria provided, single submitter. Criteria: Invitae Variant Classification Sherloc (09022015). Collection method: clinical testing. Allele origin: germline.
Comment: This sequence change replaces glutamic acid, which is acidic and polar, with lysine, which is basic and polar, at codon 1125 of the LTBP3 protein (p.Glu1125Lys). The frequency data for this variant in the population databases is considered unreliable, as metrics indicate poor data quality at this position in the gnomAD database. This variant has not been reported in the literature in individuals affected with LTBP3-related conditions. An algorithm developed to predict the effect of missense changes on protein structure and function (PolyPhen-2) suggests that this variant is likely to be tolerated. In summary, the available evidence is currently insufficient to determine the role of this variant in disease. Therefore, it has been classified as a Variant of Uncertain Significance.

NM_001130144.3(LTBP3):c.3373G>A (p.Glu1125Lys)

Genes: LTBP3 (latent transforming growth factor beta binding protein 3; minus strand), LOC130006027 (ATAC-STARR-seq lymphoblastoid silent region 3530; plus strand). Cytogenetic location: 11q13.1.
Variant type: single nucleotide variant.
Coding change: c.3373G>A on transcript NM_001130144.3 (MANE Select); coding-DNA position 3373, G replaced by A.
Protein change: p.Glu1125Lys; replaces glutamic acid 1125 with lysine.
Molecular consequence: missense variant. On other transcripts: intron variant (2).
Genome position (GRCh38, 1-based): chr11:65,540,025, C>T on the plus strand (G>A on the coding strand, the complement: LTBP3 is on the minus strand). VCF-style: chr11-65540025-C-T. GRCh37 (hg19) VCF-style: chr11-65307496-C-T.
Other names: c.2894-144G>A (NM_001164266.1); c.3245-144G>A (NM_021070.4); short protein forms E1125K.
Identifiers: ClinVar variation 3007220 (VCV003007220.3), dbSNP rs1354344584, ClinGen allele CA381267035.